The following is an entry in ClinVar:

ClinVar aggregate classification (germline): Uncertain significance (1 of 4 stars; one submission).

Submission:

Labcorp Genetics (formerly Invitae), Labcorp
Classification: Uncertain significance. Last evaluated: 2025-12-30. Review status: criteria provided, single submitter. Criteria: Invitae Variant Classification Sherloc (09022015). Collection method: clinical testing. Allele origin: germline.
Comment: This sequence change replaces tyrosine, which is neutral and polar, with cysteine, which is neutral and slightly polar, at codon 166 of the CNTNAP1 protein (p.Tyr166Cys). This variant is not present in population databases (gnomAD no frequency). This variant has not been reported in the literature in individuals affected with CNTNAP1-related conditions. ClinVar contains an entry for this variant (Variation ID: 2104842). An algorithm developed to predict the effect of missense changes on protein structure and function (PolyPhen-2) suggests that this variant is likely to be disruptive. In summary, the available evidence is currently insufficient to determine the role of this variant in disease. Therefore, it has been classified as a Variant of Uncertain Significance.

NM_003632.3(CNTNAP1):c.497A>G (p.Tyr166Cys)

Gene: CNTNAP1 (contactin associated protein 1; plus strand). Cytogenetic location: 17q21.2.
Variant type: single nucleotide variant.
Coding change: c.497A>G on transcript NM_003632.3 (MANE Select); coding-DNA position 497, A replaced by G.
Protein change: p.Tyr166Cys; replaces tyrosine 166 with cysteine.
Molecular consequence: missense variant.
Genome position (GRCh38, 1-based): chr17:42,685,124, A>G. VCF-style: chr17-42685124-A-G. GRCh37 (hg19) VCF-style: chr17-40837142-A-G.
Other names: short protein forms Y166C.
Identifiers: ClinVar variation 2104842 (VCV002104842.4), dbSNP rs2543788214, ClinGen allele CA399633722.
Genomic context (GRCh38, chr17:42,685,124, plus strand): 5'-TCCGCATCGTGCCCCTGGCCTGGAACCCACGCGGCAAGATCGGCCTGAGGCTCGGCCTCT[A>G]TGGCTGCCCATACAGTAAGTGTGCAGAGAGCGCGGAGGGGGCCTGGGAGACAGCCTCCCC-3'
Protein context (NP_003623.1, residues 156-176): RGKIGLRLGL[Tyr166Cys]GCPYKADILY